The following is an entry in ClinVar:

ClinVar aggregate classification (germline): Uncertain significance (1 of 4 stars; one submission).

Submission:

Ambry Genetics
Classification: Uncertain significance. Last evaluated: 2021-09-14. Review status: criteria provided, single submitter. Criteria: Ambry Variant Classification Scheme 2023. Collection method: clinical testing. Allele origin: germline.
Comment: The p.H1122L variant (also known as c.3365A>T), located in coding exon 29 of the KIF1B gene, results from an A to T substitution at nucleotide position 3365. The histidine at codon 1122 is replaced by leucine, an amino acid with similar properties. This amino acid position is highly conserved in available vertebrate species. In addition, this alteration is predicted to be deleterious by in silico analysis. Since supporting evidence is limited at this time, the clinical significance of this alteration remains unclear.

NM_001365951.3(KIF1B):c.3503A>T (p.His1168Leu)

Gene: KIF1B (kinesin family member 1B; plus strand). Cytogenetic location: 1p36.22.
Variant type: single nucleotide variant.
Coding change: c.3503A>T on transcript NM_001365951.3 (MANE Select); coding-DNA position 3503, A replaced by T.
Protein change: p.His1168Leu; replaces histidine 1168 with leucine.
Molecular consequence: missense variant.
Genome position (GRCh38, 1-based): chr1:10,339,849, A>T. VCF-style: chr1-10339849-A-T. GRCh37 (hg19) VCF-style: chr1-10399907-A-T.
Other names: c.3503A>T, p.His1168Leu (NM_001365952.1); c.3365A>T, p.His1122Leu (NM_015074.3); short protein forms H1168L, H1122L.
Identifiers: ClinVar variation 1730651 (VCV001730651.2), dbSNP rs2521738244, ClinGen allele CA338341216.